The following is an entry in ClinVar:

NM_000263.4(NAGLU):c.2208_2209delinsTG (p.Arg737Gly)

Gene: NAGLU (N-acetyl-alpha-glucosaminidase; plus strand). Cytogenetic location: 17q21.2.
Variant type: Indel.
Coding change: c.2208_2209delinsTG on transcript NM_000263.4 (MANE Select); coding-DNA positions 2208 to 2209, CC replaced by TG.
Protein change: p.Arg737Gly; replaces arginine 737 with glycine.
Molecular consequence: missense variant.
Genome position (GRCh38, 1-based): chr17:42,544,214-42,544,215, CC replaced by TG. VCF-style: chr17-42544214-CC-TG. GRCh37 (hg19) VCF-style: chr17-40696232-CC-TG.
Other names: short protein forms R737G.
Identifiers: ClinVar variation 971683 (VCV000971683.11), dbSNP rs2092931038, ClinGen allele CA1139665544.
Genomic context (GRCh38, chr17:42,544,214, plus strand): 5'-CAGCCAGCCGCGAGGAGACACTGTGGACCTGGCCAAGAAGATCTTCCTCAAATATTACCC[CC>TG]GCTGGGTGGCCGGCTCTTGGTGATAGATTCGCCACCACTGGGCCTTGTTTTCCGCTAATT-3'
Protein context (NP_000254.2, residues 727-743): AKKIFLKYYP[Arg737Gly]WVAGSW

ClinVar aggregate classification (germline): Likely benign. Review status: criteria provided, multiple submitters, no conflicts (2 of 4 stars). 2 submissions from 2 submitters: Likely benign (2). Last evaluated 2025-12-24.

Conditions:
Mucopolysaccharidosis, MPS-III-B (MPS3B). Also called: MPS IIIB (Sanfilippo Syndrome Type B); MUCOPOLYSACCHARIDOSIS, TYPE IIIB; Mucopolysaccharidosis type IIIB (Sanfilippo B); N-ACETYL-ALPHA-D-GLUCOSAMINIDASE DEFICIENCY; NAGLU DEFICIENCY; SANFILIPPO SYNDROME B. Identifiers: Orphanet 79270, MedGen C0086648, MONDO:0009656, OMIM 252920.
Charcot-Marie-Tooth disease axonal type 2V. Also called: CHARCOT-MARIE-TOOTH NEUROPATHY, TYPE 2V; CHARCOT-MARIE-TOOTH DISEASE, AXONAL, AUTOSOMAL DOMINANT, TYPE 2V. Identifiers: Orphanet 447964, MedGen C5569050, MONDO:0014665, OMIM 616491.

Submissions (2):

Women's Health and Genetics/Laboratory Corporation of America, LabCorp
Classification: Likely benign. Last evaluated: 2025-12-24. Review status: criteria provided, single submitter. Criteria: LabCorp Variant Classification Summary - May 2015. Collection method: clinical testing. Allele origin: germline.
Comment: Variant summary: NAGLU c.2208_2209delinsTG (p.Arg737Gly) results in a non-conservative amino acid change in the encoded protein sequence. Algorithms developed to predict the effect of missense changes on protein structure and function are either unavailable or do not agree on the potential impact of this missense change. The indel was not reported in 279448 control chromosomes (gnomAD), however another variant with the same effect is a frequent polymorphism and is classified as benign (c.2209C>G/p.Arg737Gly). The available data on variant occurrences in the general population are insufficient to allow any conclusion about variant significance. To our knowledge, no occurrence of c.2208_2209delinsTG in individuals affected with NAGLU-related conditions and no experimental evidence demonstrating its impact on protein function have been reported. ClinVar contains an entry for this variant (Variation ID: 971683). Based on the evidence outlined above, the variant was classified as likely benign.

Labcorp Genetics (formerly Invitae), Labcorp
Classification: Likely benign for Charcot-Marie-Tooth disease axonal type 2V; Mucopolysaccharidosis, MPS-III-B. Last evaluated: 2025-01-06. Review status: criteria provided, single submitter. Criteria: Invitae Variant Classification Sherloc (09022015). Collection method: clinical testing. Allele origin: germline.